The following is an entry in ClinVar:

NM_004855.5(PIGB):c.847T>C (p.Trp283Arg)

Gene: PIGB (phosphatidylinositol glycan anchor biosynthesis class B; plus strand). Cytogenetic location: 15q21.3.
Variant type: single nucleotide variant.
Coding change: c.847T>C on transcript NM_004855.5 (MANE Select); coding-DNA position 847, T replaced by C.
Protein change: p.Trp283Arg; replaces tryptophan 283 with arginine.
Molecular consequence: missense variant.
Genome position (GRCh38, 1-based): chr15:55,340,612, T>C. VCF-style: chr15-55340612-T-C. GRCh37 (hg19) VCF-style: chr15-55632810-T-C.
Other names: short protein forms W283R.
Identifiers: ClinVar variation 2131720 (VCV002131720.4), dbSNP rs2543117864, ClinGen allele CA392542746.
Genomic context (GRCh38, chr15:55,340,612, plus strand): 5'-GCCAAAGATTACTACTTGGCACTAACACATTTCTATTTATTTTTCCTTCAACGGTGCCAG[T>C]GGACTCTGGTTCAATTTAATTTTTTGAAATTTAACGTGCTGCAGAACTGGGGAACATTTT-3'
Protein context (NP_004846.4, residues 273-293): LMIDRIFFGQ[Trp283Arg]TLVQFNFLKF

ClinVar aggregate classification (germline): Uncertain significance (1 of 4 stars; one submission).

Submission:

Labcorp Genetics (formerly Invitae), Labcorp
Classification: Uncertain significance. Last evaluated: 2022-08-06. Review status: criteria provided, single submitter. Criteria: Invitae Variant Classification Sherloc (09022015). Collection method: clinical testing. Allele origin: germline.
Comment: This sequence change replaces tryptophan, which is neutral and slightly polar, with arginine, which is basic and polar, at codon 283 of the PIGB protein (p.Trp283Arg). This variant is not present in population databases (gnomAD no frequency). This variant has not been reported in the literature in individuals affected with PIGB-related conditions. Algorithms developed to predict the effect of missense changes on protein structure and function are either unavailable or do not agree on the potential impact of this missense change (SIFT: "Tolerated"; PolyPhen-2: "Probably Damaging"; Align-GVGD: "Class C0"). In summary, the available evidence is currently insufficient to determine the role of this variant in disease. Therefore, it has been classified as a Variant of Uncertain Significance.